The following is an entry in ClinVar:

ClinVar aggregate classification (germline): Uncertain significance (1 of 4 stars; one submission).

Conditions:
Inborn genetic diseases. Identifiers: MedGen C0950123, MeSH D030342.

Submission:

Ambry Genetics
Classification: Uncertain significance for Inborn genetic diseases. Last evaluated: 2025-06-23. Review status: criteria provided, single submitter. Criteria: Ambry Variant Classification Scheme 2023. Collection method: clinical testing. Allele origin: germline.
Comment: The p.Q216H variant (also known as c.648A>C), located in coding exon 5 of the ANKRD26 gene, results from an A to C substitution at nucleotide position 648. The glutamine at codon 216 is replaced by histidine, an amino acid with highly similar properties. This amino acid position is conserved. In addition, this alteration is predicted to be tolerated by in silico analysis. Based on the available evidence, the clinical significance of this variant remains unclear.

NM_014915.3(ANKRD26):c.648A>C (p.Gln216His)

Gene: ANKRD26 (ankyrin repeat domain containing 26; minus strand). Cytogenetic location: 10p12.1.
Variant type: single nucleotide variant.
Coding change: c.648A>C on transcript NM_014915.3 (MANE Select); coding-DNA position 648, A replaced by C.
Protein change: p.Gln216His; replaces glutamine 216 with histidine.
Molecular consequence: missense variant.
Genome position (GRCh38, 1-based): chr10:27,086,600, T>G on the plus strand (A>C on the coding strand, the complement: ANKRD26 is on the minus strand). VCF-style: chr10-27086600-T-G. GRCh37 (hg19) VCF-style: chr10-27375529-T-G.
Other names: c.648A>C, p.Gln216His (NM_001256053.2); short protein forms Q216H.
Identifiers: ClinVar variation 4102947 (VCV004102947.1).
Genomic context (GRCh38, chr10:27,086,600, plus strand): 5'-TGAATTACTATTTTGAGAAGAATGTTTAGGTATCCTTTCTTCTTTATATTCTGAAATTAG[T>G]TGGTGACTGCTATGTATAGAAAAATGTAACAAAATTATGTTAATACTGATACAAAAAATA-3'
Protein context (NP_055730.2, residues 206-226): NAVDKLESSH[Gln216His]LISEYKEERI